The following is an entry in ClinVar:

NM_004208.4(AIFM1):c.350-5T>C

Genes: AIFM1 (apoptosis inducing factor mitochondria associated 1; minus strand), RAB33A (RAB33A, member RAS oncogene family; plus strand). Cytogenetic location: Xq26.1.
Variant type: single nucleotide variant.
Coding change: c.350-5T>C on transcript NM_004208.4 (MANE Select); 5 bases into the intron before coding-DNA position 350, T replaced by C.
Molecular consequence: intron variant.
Genome position (GRCh38, 1-based): chrX:130,147,881, A>G on the plus strand (T>C on the coding strand, the complement: AIFM1 is on the minus strand). VCF-style: chrX-130147881-A-G. GRCh37 (hg19) VCF-style: chrX-129281856-A-G.
Other names: c.338-5T>C (NM_145812.3); c.350-5T>C (NM_001130847.4).
Identifiers: ClinVar variation 2947352 (VCV002947352.3), dbSNP rs2523146830, ClinGen allele CA2740092280.

ClinVar aggregate classification (germline): Uncertain significance (1 of 4 stars; one submission).

Conditions:
Combined oxidative phosphorylation deficiency. Identifiers: MedGen C4540031, MONDO:0000732.
Charcot-Marie-Tooth Neuropathy X. Identifiers: MedGen CN118851.

Submission:

Labcorp Genetics (formerly Invitae), Labcorp
Classification: Uncertain significance for Charcot-Marie-Tooth Neuropathy X; Combined oxidative phosphorylation deficiency. Last evaluated: 2023-06-29. Review status: criteria provided, single submitter. Criteria: Invitae Variant Classification Sherloc (09022015). Collection method: clinical testing. Allele origin: germline.
Comment: In summary, the available evidence is currently insufficient to determine the role of this variant in disease. Therefore, it has been classified as a Variant of Uncertain Significance. Algorithms developed to predict the effect of sequence changes on RNA splicing suggest that this variant may create or strengthen a splice site. This variant has not been reported in the literature in individuals affected with AIFM1-related conditions. This variant is not present in population databases (gnomAD no frequency). This sequence change falls in intron 3 of the AIFM1 gene. It does not directly change the encoded amino acid sequence of the AIFM1 protein.